The following is an entry in ClinVar:

ClinVar aggregate classification (germline): Uncertain significance (1 of 4 stars; one submission).

Submission:

Labcorp Genetics (formerly Invitae), Labcorp
Classification: Uncertain significance. Last evaluated: 2024-10-20. Review status: criteria provided, single submitter. Criteria: Invitae Variant Classification Sherloc (09022015). Collection method: clinical testing. Allele origin: germline.
Comment: This sequence change replaces threonine, which is neutral and polar, with proline, which is neutral and non-polar, at codon 366 of the PPOX protein (p.Thr366Pro). This variant is not present in population databases (gnomAD no frequency). This variant has not been reported in the literature in individuals affected with PPOX-related conditions. Invitae Evidence Modeling of protein sequence and biophysical properties (such as structural, functional, and spatial information, amino acid conservation, physicochemical variation, residue mobility, and thermodynamic stability) indicates that this missense variant is expected to disrupt PPOX protein function with a positive predictive value of 95%. In summary, the available evidence is currently insufficient to determine the role of this variant in disease. Therefore, it has been classified as a Variant of Uncertain Significance.

NM_001122764.3(PPOX):c.1096A>C (p.Thr366Pro)

Gene: PPOX (protoporphyrinogen oxidase; plus strand). Cytogenetic location: 1q23.3.
Variant type: single nucleotide variant.
Coding change: c.1096A>C on transcript NM_001122764.3 (MANE Select); coding-DNA position 1096, A replaced by C.
Protein change: p.Thr366Pro; replaces threonine 366 with proline.
Molecular consequence: missense variant. On other transcripts: intron variant (1).
Genome position (GRCh38, 1-based): chr1:161,170,517, A>C. VCF-style: chr1-161170517-A-C. GRCh37 (hg19) VCF-style: chr1-161140307-A-C.
Other names: c.1096A>C, p.Thr366Pro (NM_000309.5, NM_001365398.1); c.997A>C, p.Thr333Pro (NM_001350128.2); c.688A>C, p.Thr230Pro (NM_001350129.2, NM_001365400.1); c.610A>C, p.Thr204Pro (NM_001350130.2, NM_001350131.2, NM_001365401.1); c.988-103A>C (NM_001365399.1); short protein forms T230P, T333P, T204P, T366P.
Identifiers: ClinVar variation 3720082 (VCV003720082.2).